The following is an entry in ClinVar:

NM_020856.4(TSHZ3):c.1692G>A (p.Leu564=)

Gene: TSHZ3 (teashirt zinc finger homeobox 3; minus strand). Cytogenetic location: 19q12.
Variant type: single nucleotide variant.
Coding change: c.1692G>A on transcript NM_020856.4 (MANE Select); coding-DNA position 1692, G replaced by A.
Protein change: p.Leu564=; no amino-acid change (leucine 564 retained).
Molecular consequence: synonymous variant.
Genome position (GRCh38, 1-based): chr19:31,278,101, C>T on the plus strand (G>A on the coding strand, the complement: TSHZ3 is on the minus strand). VCF-style: chr19-31278101-C-T. GRCh37 (hg19) VCF-style: chr19-31769007-C-T.
Identifiers: ClinVar variation 3049213 (VCV003049213.2), dbSNP rs200511665, ClinGen allele CA9354249.

ClinVar aggregate classification (germline): Likely benign (0 of 4 stars; one submission).

Conditions:
TSHZ3-related disorder. Also called: TSHZ3-related condition.

Allele frequency attached by ClinVar (database versions not stated): ESP Exome Variant Server 0.00008; 1000 Genomes Project 30x 0.00016; TOPMed 0.00017; 1000 Genomes Project 0.00020; gnomAD 0.00033; gnomAD exomes 0.00034; ExAC 0.00039.
gnomAD v4.1: 536 of 1,613,792 alleles (0.033%); highest among the groups gnomAD compares: Non-Finnish European, 0.029%; no homozygotes.

Submission:

PreventionGenetics, part of Exact Sciences
Classification: Likely benign for TSHZ3-related condition. Last evaluated: 2019-03-08. Review status: no assertion criteria provided. Collection method: clinical testing. Allele origin: germline.
Comment: This variant is classified as likely benign based on ACMG/AMP sequence variant interpretation guidelines (Richards et al. 2015 PMID: 25741868, with internal and published modifications).